The following is an entry in ClinVar:

NM_032119.4(ADGRV1):c.9557C>A (p.Thr3186Asn)

Gene: ADGRV1 (adhesion G protein-coupled receptor V1; plus strand). Cytogenetic location: 5q14.3.
Variant type: single nucleotide variant.
Coding change: c.9557C>A on transcript NM_032119.4 (MANE Select); coding-DNA position 9557, C replaced by A.
Protein change: p.Thr3186Asn; replaces threonine 3186 with asparagine.
Molecular consequence: missense variant. On other transcripts: non-coding transcript variant (1).
Genome position (GRCh38, 1-based): chr5:90,720,157, C>A. VCF-style: chr5-90720157-C-A. GRCh37 (hg19) VCF-style: chr5-90015974-C-A.
Other names: short protein forms T3186N.
Identifiers: ClinVar variation 505837 (VCV000505837.7), dbSNP rs201511311, ClinGen allele CA3340532.

ClinVar aggregate classification (germline): Conflicting classifications of pathogenicity. Review status: criteria provided, conflicting classifications (1 of 4 stars). 2 submissions from 2 submitters: Uncertain significance (1); Likely benign (1). Last evaluated 2023-11-13.

Allele frequency attached by ClinVar (database versions not stated): gnomAD exomes below 0.00001; ExAC 0.00001; 1000 Genomes Project 30x 0.00016; 1000 Genomes Project 0.00020.
gnomAD v4.1: 2 of 1,611,104 alleles (0.00012%); highest among the groups gnomAD compares: African/African-American, 0.0013%; no homozygotes.

Submissions (2):

Labcorp Genetics (formerly Invitae), Labcorp
Classification: Likely benign. Last evaluated: 2023-11-13. Review status: criteria provided, single submitter. Criteria: Invitae Variant Classification Sherloc (09022015). Collection method: clinical testing. Allele origin: germline.

Laboratory for Molecular Medicine, Mass General Brigham Personalized Medicine
Classification: Uncertain significance. Last evaluated: 2017-05-31. Review status: criteria provided, single submitter. Criteria: LMM Criteria. Collection method: clinical testing. Allele origin: germline. Observed: 1 variant allele.
Comment: The p.Thr3186Asn variant in GPR98 has not been previously reported in individual s with hearing loss or Usher syndrome. This variant has been identified in 1/152 24 African chromosomes by the Genome Aggregation Database (gnomAD .; dbSNP rs201511311). Although this variant has been seen in the general population, its frequency is not high enough to rule out a pathogeni c role. Computational prediction tools and conservation analyses do not provide strong support for or against an impact to the protein. In summary, the clinical significance of the p.Thr3186Asn variant is uncertain.